The following is an entry in ClinVar:

NM_001367624.2(ZNF469):c.4928C>A (p.Ala1643Asp)

Gene: ZNF469 (zinc finger protein 469; plus strand). Cytogenetic location: 16q24.2.
Variant type: single nucleotide variant.
Coding change: c.4928C>A on transcript NM_001367624.2 (MANE Select); coding-DNA position 4928, C replaced by A.
Protein change: p.Ala1643Asp; replaces alanine 1643 with aspartic acid.
Molecular consequence: missense variant.
Genome position (GRCh38, 1-based): chr16:88,432,398, C>A. VCF-style: chr16-88432398-C-A. GRCh37 (hg19) VCF-style: chr16-88498806-C-A.
Other names: short protein forms A1643D.
Identifiers: ClinVar variation 2087584 (VCV002087584.4), dbSNP rs887038122, ClinGen allele CA286376789.

ClinVar aggregate classification (germline): Uncertain significance (1 of 4 stars; one submission).

Allele frequency attached by ClinVar (database versions not stated): TOPMed below 0.00001.
gnomAD v4.1: 1 of 1,549,722 alleles (0.000065%); highest among the groups gnomAD compares: Non-Finnish European, 0.000087%; no homozygotes.

Submission:

Labcorp Genetics (formerly Invitae), Labcorp
Classification: Uncertain significance. Last evaluated: 2022-01-27. Review status: criteria provided, single submitter. Criteria: Invitae Variant Classification Sherloc (09022015). Collection method: clinical testing. Allele origin: germline.
Comment: This variant is not present in population databases (gnomAD no frequency). In summary, the available evidence is currently insufficient to determine the role of this variant in disease. Therefore, it has been classified as a Variant of Uncertain Significance. Algorithms developed to predict the effect of missense changes on protein structure and function are either unavailable or do not agree on the potential impact of this missense change (SIFT: "Tolerated"; PolyPhen-2: "Possibly Damaging"; Align-GVGD: "Class C0"). This variant has not been reported in the literature in individuals affected with ZNF469-related conditions. This sequence change replaces alanine, which is neutral and non-polar, with aspartic acid, which is acidic and polar, at codon 1615 of the ZNF469 protein (p.Ala1615Asp).